The following is an entry in ClinVar:

ClinVar aggregate classification (germline): Uncertain significance. Review status: criteria provided, multiple submitters, no conflicts (2 of 4 stars). 3 submissions from 3 submitters: Uncertain significance (3). Last evaluated 2025-08-27.

Conditions:
Inborn genetic diseases. Identifiers: MedGen C0950123, MeSH D030342.

Allele frequency attached by ClinVar (database versions not stated): gnomAD exomes 0.00002 and 0.00004; ExAC 0.00006; 1000 Genomes Project 30x 0.00016; gnomAD 0.00024 and 0.00026; TOPMed 0.00027; 1000 Genomes Project 0.00040.
gnomAD v4.1: 72 of 1,606,298 alleles (0.0045%); highest among the groups gnomAD compares: African/African-American, 0.08%; no homozygotes.

Submissions (3):

Ambry Genetics
Classification: Uncertain significance for Inborn genetic diseases. Last evaluated: 2025-08-27. Review status: criteria provided, single submitter. Criteria: Ambry Variant Classification Scheme 2023. Collection method: clinical testing. Allele origin: germline.

Labcorp Genetics (formerly Invitae), Labcorp
Classification: Uncertain significance. Last evaluated: 2024-12-24. Review status: criteria provided, single submitter. Criteria: Invitae Variant Classification Sherloc (09022015). Collection method: clinical testing. Allele origin: germline.
Comment: This sequence change replaces glycine, which is neutral and non-polar, with cysteine, which is neutral and slightly polar, at codon 2299 of the SPEG protein (p.Gly2299Cys). This variant is present in population databases (rs191716389, gnomAD 0.06%). This variant has not been reported in the literature in individuals affected with SPEG-related conditions. ClinVar contains an entry for this variant (Variation ID: 1355290). An algorithm developed to predict the effect of missense changes on protein structure and function (PolyPhen-2) suggests that this variant¬†is likely to be tolerated. In summary, the available evidence is currently insufficient to determine the role of this variant in disease. Therefore, it has been classified as a Variant of Uncertain Significance.

Breakthrough Genomics
Classification: Uncertain significance. Review status: criteria provided, single submitter. Criteria: ACMG Guidelines, 2015. Collection method: not provided. Allele origin: germline. Inheritance: Autosomal recessive inheritance. Affected: yes.

NM_005876.5(SPEG):c.6895G>T (p.Gly2299Cys)

Genes: ASIC4-AS1 (ASIC4 antisense RNA 1; minus strand), SPEG (striated muscle enriched protein kinase; plus strand). Cytogenetic location: 2q35.
Variant type: single nucleotide variant.
Coding change: c.6895G>T on transcript NM_005876.5 (MANE Select); coding-DNA position 6895, G replaced by T.
Protein change: p.Gly2299Cys; replaces glycine 2299 with cysteine.
Molecular consequence: missense variant.
Genome position (GRCh38, 1-based): chr2:219,484,358, G>T. VCF-style: chr2-219484358-G-T. GRCh37 (hg19) VCF-style: chr2-220349080-G-T.
Other names: c.6895G>T (NM_005876.4); short protein forms G2299C.
Identifiers: ClinVar variation 1355290 (VCV001355290.9), dbSNP rs191716389, ClinGen allele CA2127143.